The following is an entry in ClinVar:

ClinVar aggregate classification (germline): Uncertain significance (1 of 4 stars; one submission).

Conditions:
Cardiovascular phenotype. Identifiers: MedGen CN230736.

Submission:

Ambry Genetics
Classification: Uncertain significance for Cardiovascular phenotype. Last evaluated: 2020-01-23. Review status: criteria provided, single submitter. Criteria: Ambry Variant Classification Scheme 2023. Collection method: clinical testing. Allele origin: germline.
Comment: The p.E7031K variant (also known as c.21091G>A), located in coding exon 84 of the TTN gene, results from a G to A substitution at nucleotide position 21091. The glutamic acid at codon 7031 is replaced by lysine, an amino acid with similar properties. This amino acid position is not well conserved in available vertebrate species. In addition, this alteration is predicted to be tolerated by in silico analysis. Since supporting evidence is limited at this time, the clinical significance of this alteration remains unclear.

NM_001267550.2(TTN):c.48286G>A (p.Glu16096Lys)

Genes: TTN-AS1 (TTN antisense RNA 1; plus strand), TTN (titin; minus strand). Cytogenetic location: 2q31.2.
Variant type: single nucleotide variant.
Coding change: c.48286G>A on transcript NM_001267550.2 (MANE Select); coding-DNA position 48286, G replaced by A.
Protein change: p.Glu16096Lys; replaces glutamic acid 16096 with lysine.
Molecular consequence: missense variant.
Genome position (GRCh38, 1-based): chr2:178,616,505, C>T on the plus strand (G>A on the coding strand, the complement: TTN is on the minus strand). VCF-style: chr2-178616505-C-T. GRCh37 (hg19) VCF-style: chr2-179481232-C-T.
Other names: c.43363G>A, p.Glu14455Lys (NM_001256850.1); c.21091G>A, p.Glu7031Lys (NM_003319.4); c.40582G>A, p.Glu13528Lys (NM_133378.4); c.21466G>A, p.Glu7156Lys (NM_133432.3); c.21667G>A, p.Glu7223Lys (NM_133437.4); short protein forms E7156K, E16096K, E14455K, E7031K, E13528K, E7223K.
Identifiers: ClinVar variation 1786017 (VCV001786017.2), dbSNP rs2470803770, ClinGen allele CA349611432.